The following is an entry in ClinVar:

ClinVar aggregate classification (germline): Pathogenic. Review status: criteria provided, multiple submitters, no conflicts (2 of 4 stars). 3 submissions from 3 submitters: Pathogenic (2). 1 of the submissions does not count toward it. Last evaluated 2025-04-14.

Conditions:
Usher syndrome type 2C. Also called: USHER SYNDROME, TYPE IIC; Usher syndrome, type 2B. Identifiers: Orphanet 231178, Orphanet 886, MedGen C2931213, MONDO:0011558, OMIM 605472.

Allele frequency attached by ClinVar (database versions not stated): gnomAD exomes below 0.00001; TOPMed below 0.00001.

Submissions (3):

GeneDx
Classification: Pathogenic. Last evaluated: 2025-04-14. Review status: criteria provided, single submitter. Criteria: GeneDx Variant Classification Process June 2021. Collection method: clinical testing. Allele origin: germline.
Comment: Nonsense variant predicted to result in protein truncation or nonsense mediated decay in a gene for which loss of function is a known mechanism of disease; Not observed at significant frequency in large population cohorts (gnomAD); This variant is associated with the following publications: (PMID: 36478999, 25324289, 34148116)

Labcorp Genetics (formerly Invitae), Labcorp
Classification: Pathogenic. Last evaluated: 2024-12-02. Review status: criteria provided, single submitter. Criteria: Invitae Variant Classification Sherloc (09022015). Collection method: clinical testing. Allele origin: germline.
Comment: This sequence change creates a premature translational stop signal (p.Arg5246*) in the ADGRV1 gene. It is expected to result in an absent or disrupted protein product. Loss-of-function variants in ADGRV1 are known to be pathogenic (PMID: 19357117, 22135276, 22147658, 26226137, 30718709, 31047384, 32467589). The frequency data for this variant in the population databases is considered unreliable, as metrics indicate poor data quality at this position in the gnomAD database. This premature translational stop signal has been observed in individual(s) with clinical features of Usher syndrome (PMID: 25324289). ClinVar contains an entry for this variant (Variation ID: 143159). For these reasons, this variant has been classified as Pathogenic.

Department of Ophthalmology and Visual Sciences Kyoto University
Classification: Likely pathogenic for Usher syndrome, type 2C. Review status: no assertion criteria provided. Collection method: not provided. Allele origin: unknown. Not counted in ClinVar's aggregate classification.
ClinVar note: Converted during submission from probable-pathogenic to Likely pathogenic.

Literature cited by the submitters: PubMed 19357117 (cited by Labcorp Genetics (formerly Invitae), Labcorp); PubMed 22135276 (cited by Labcorp Genetics (formerly Invitae), Labcorp); PubMed 22147658 (cited by Labcorp Genetics (formerly Invitae), Labcorp); PubMed 26226137 (cited by Labcorp Genetics (formerly Invitae), Labcorp); PubMed 30718709 (cited by Labcorp Genetics (formerly Invitae), Labcorp); PubMed 31047384 (cited by Labcorp Genetics (formerly Invitae), Labcorp); PubMed 32467589 (cited by Labcorp Genetics (formerly Invitae), Labcorp); PubMed 25324289 (cited by Labcorp Genetics (formerly Invitae), Labcorp).

NM_032119.4(ADGRV1):c.15736C>T (p.Arg5246Ter)

Gene: ADGRV1 (adhesion G protein-coupled receptor V1; plus strand). Cytogenetic location: 5q14.3.
Variant type: single nucleotide variant.
Coding change: c.15736C>T on transcript NM_032119.4 (MANE Select); coding-DNA position 15736, C replaced by T.
Protein change: p.Arg5246Ter; replaces arginine 5246 with a stop codon.
Molecular consequence: nonsense. On other transcripts: non-coding transcript variant (1).
Genome position (GRCh38, 1-based): chr5:90,810,996, C>T. VCF-style: chr5-90810996-C-T. GRCh37 (hg19) VCF-style: chr5-90106813-C-T.
Other names: short protein forms R5246*.
Identifiers: ClinVar variation 143159 (VCV000143159.9), dbSNP rs527236131, ClinGen allele CA270124.